The following is an entry in ClinVar:

NM_000138.5(FBN1):c.2495G>C (p.Cys832Ser)

Gene: FBN1 (fibrillin 1; minus strand). Cytogenetic location: 15q21.1.
Variant type: single nucleotide variant.
Coding change: c.2495G>C on transcript NM_000138.5 (MANE Select); coding-DNA position 2495, G replaced by C.
Protein change: p.Cys832Ser; replaces cysteine 832 with serine.
Molecular consequence: missense variant.
Genome position (GRCh38, 1-based): chr15:48,495,513, C>G on the plus strand (G>C on the coding strand, the complement: FBN1 is on the minus strand). VCF-style: chr15-48495513-C-G. GRCh37 (hg19) VCF-style: chr15-48787710-C-G.
Other names: short protein forms C832S.
Identifiers: ClinVar variation 647275 (VCV000647275.8), dbSNP rs397515775, ClinGen allele CA392334412.

ClinVar aggregate classification (germline): Pathogenic (1 of 4 stars; one submission).

Conditions:
Familial thoracic aortic aneurysm and aortic dissection (TAAD). Also called: Thoracic aortic aneurysms and dissections. Identifiers: Orphanet 91387, MedGen C4707243, MONDO:0019625.
Marfan syndrome (MFS). Also called: FBN1-Related Marfan Syndrome; Marfan syndrome type 1; Marfan's syndrome; Marfan syndrome, classic; MARFAN SYNDROME, TYPE I. Identifiers: Orphanet 284963, Orphanet 558, MedGen C0024796, MONDO:0007947, OMIM 154700.

Submission:

Labcorp Genetics (formerly Invitae), Labcorp
Classification: Pathogenic for Marfan syndrome; Familial thoracic aortic aneurysm and aortic dissection. Last evaluated: 2024-10-31. Review status: criteria provided, single submitter. Criteria: Invitae Variant Classification Sherloc (09022015). Collection method: clinical testing. Allele origin: germline.
Comment: This sequence change replaces cysteine, which is neutral and slightly polar, with serine, which is neutral and polar, at codon 832 of the FBN1 protein (p.Cys832Ser). This variant is not present in population databases (gnomAD no frequency). This missense change has been observed in individuals with Marfan syndrome (PMID: 27906200; internal data). ClinVar contains an entry for this variant (Variation ID: 647275). Invitae Evidence Modeling of protein sequence and biophysical properties (such as structural, functional, and spatial information, amino acid conservation, physicochemical variation, residue mobility, and thermodynamic stability) indicates that this missense variant is expected to disrupt FBN1 protein function with a positive predictive value of 95%. This variant affects a cysteine residue in the EGF-like, TGFBP or hybrid motif domains of FBN1. Cysteine residues are believed to be involved in intramolecular disulfide bridges and have been shown to be important for FBN1 protein structure (PMID: 16905551, 19349279). In addition, missense substitutions affecting cysteine residues within these domains are significantly overrepresented among patients with Marfan syndrome (PMID: 16571647, 17701892). This variant disrupts the p.Cys832 amino acid residue in FBN1. Other variant(s) that disrupt this residue have been observed in individuals with FBN1-related conditions (PMID: 19839986, 27906200), which suggests that this may be a clinically significant amino acid residue. For these reasons, this variant has been classified as Pathogenic.

Literature cited by the submitters: PubMed 27906200; PubMed 16905551; PubMed 19349279; PubMed 16571647; PubMed 17701892; PubMed 19839986.